The following is an entry in ClinVar:

ClinVar aggregate classification (germline): Likely benign (1 of 4 stars; one submission).

Submission:

CeGaT Center for Human Genetics Tuebingen
Classification: Likely benign. Last evaluated: 2023-12-01. Review status: criteria provided, single submitter. Criteria: CeGaT Center For Human Genetics Tuebingen Variant Classification Criteria Version 2. Collection method: clinical testing. Allele origin: germline. Affected: yes. Observed: 1 variant allele.
Comment: RLIM: BP3

NM_016120.4(RLIM):c.1429_1440del (p.Pro477_Ser480del)

Gene: RLIM (ring finger protein, LIM domain interacting; minus strand). Cytogenetic location: Xq13.2.
Variant type: Deletion.
Coding change: c.1429_1440del on transcript NM_016120.4 (MANE Select); coding-DNA positions 1429 to 1440, 12 bases deleted (CCTAGTTCCAGT).
Protein change: p.Pro477_Ser480del.
Molecular consequence: inframe deletion.
Genome position (GRCh38, 1-based): chrX:74,591,875-74,591,886, ACTGGAACTAGG deleted on the plus strand (CCTAGTTCCAGT on the coding strand, the reverse complement: RLIM is on the minus strand); deleting any 12 consecutive bases within chrX:74,591,875-74,591,895 gives the same sequence; the c. name uses the placement nearest the transcript's 3' end. VCF-style (leftmost placement, unchanged base first): chrX-74591874-AACTGGAACTAGG-A. GRCh37 (hg19) VCF-style: chrX-73811709-AACTGGAACTAGG-A.
Other names: c.1429_1440del, p.Pro477_Ser480del (NM_183353.3).
Identifiers: ClinVar variation 3026231 (VCV003026231.22), dbSNP rs1461511590, ClinGen allele CA643005985.